The following is an entry in ClinVar:

NM_177438.3(DICER1):c.1556C>A (p.Thr519Lys)

Gene: DICER1 (dicer 1, ribonuclease III; minus strand). Cytogenetic location: 14q32.13.
Variant type: single nucleotide variant.
Coding change: c.1556C>A on transcript NM_177438.3 (MANE Select); coding-DNA position 1556, C replaced by A.
Protein change: p.Thr519Lys; replaces threonine 519 with lysine.
Molecular consequence: missense variant. On other transcripts: non-coding transcript variant (6), intron variant (1).
Genome position (GRCh38, 1-based): chr14:95,116,649, G>T on the plus strand (C>A on the coding strand, the complement: DICER1 is on the minus strand). VCF-style: chr14-95116649-G-T. GRCh37 (hg19) VCF-style: chr14-95582986-G-T.
Other names: c.1556C>A, p.Thr519Lys (NM_001195573.1, NM_001271282.3, NM_001291628.2 and 13 more transcripts); c.1274C>A, p.Thr425Lys (NM_001395686.1); c.1151C>A, p.Thr384Lys (NM_001395687.1, NM_001395688.1, NM_001395689.1 and 3 more transcripts); c.989C>A, p.Thr330Lys (NM_001395691.1); c.-59-69C>A (NM_001395697.1); short protein forms T519K, T330K, T425K, T384K.
Identifiers: ClinVar variation 1775154 (VCV001775154.2), dbSNP rs2140125987, ClinGen allele CA390885084.

ClinVar aggregate classification (germline): Uncertain significance (1 of 4 stars; one submission).

Conditions:
Hereditary cancer-predisposing syndrome. Also called: Hereditary Cancer Syndrome; Hereditary neoplastic syndrome; Neoplastic Syndromes, Hereditary; Tumor predisposition. Identifiers: Orphanet 140162, MedGen C0027672, MeSH D009386, MONDO:0015356.

Submission:

Ambry Genetics
Classification: Uncertain significance for Hereditary cancer-predisposing syndrome. Last evaluated: 2021-11-01. Review status: criteria provided, single submitter. Criteria: Ambry Variant Classification Scheme 2023. Collection method: clinical testing. Allele origin: germline.
Comment: The p.T519K variant (also known as c.1556C>A), located in coding exon 9 of the DICER1 gene, results from a C to A substitution at nucleotide position 1556. The threonine at codon 519 is replaced by lysine, an amino acid with similar properties. This amino acid position is highly conserved in available vertebrate species. In addition, this alteration is predicted to be deleterious by in silico analysis. Since supporting evidence is limited at this time, the clinical significance of this alteration remains unclear.